The following is an entry in ClinVar:

ClinVar aggregate classification (germline): Uncertain significance. Review status: criteria provided, multiple submitters, no conflicts (2 of 4 stars). 3 submissions from 3 submitters: Uncertain significance (3). Last evaluated 2026-09-21.

Conditions:
Charcot-Marie-Tooth disease axonal type 2V. Also called: CHARCOT-MARIE-TOOTH NEUROPATHY, TYPE 2V; CHARCOT-MARIE-TOOTH DISEASE, AXONAL, AUTOSOMAL DOMINANT, TYPE 2V. Identifiers: Orphanet 447964, MedGen C5569050, MONDO:0014665, OMIM 616491.
Mucopolysaccharidosis, MPS-III-B (MPS3B). Also called: N-ACETYL-ALPHA-D-GLUCOSAMINIDASE DEFICIENCY; NAGLU DEFICIENCY; SANFILIPPO SYNDROME B; MPS III B; MUCOPOLYSACCHARIDOSIS, TYPE IIIB; Mucopolysaccharidosis type IIIB (Sanfilippo B). Identifiers: Orphanet 79270, MedGen C0086648, MONDO:0009656, OMIM 252920.
NAGLU-related disorder. Also called: NAGLU-related condition.

Allele frequency attached by ClinVar (database versions not stated): gnomAD exomes 0.00001; ExAC 0.00001; 1000 Genomes Project 30x 0.00016; 1000 Genomes Project 0.00020; TOPMed 0.00001; gnomAD 0.00003.

Submissions (3):

PreventionGenetics, part of Exact Sciences
Classification: Uncertain significance for NAGLU-related condition. Last evaluated: 2026-09-21. Review status: criteria provided, single submitter. Criteria: ACMG Guidelines, 2015. Collection method: clinical testing. Allele origin: germline.
Comment: The NAGLU c.612G>T variant is predicted to result in the amino acid substitution p.Met204Ile. To our knowledge, this variant has not been reported in the literature. This variant is reported in 0.022% of alleles in individuals of East Asian descent in gnomAD. At this time, the clinical significance of this variant is uncertain due to the absence of conclusive functional and genetic evidence.

Labcorp Genetics (formerly Invitae), Labcorp
Classification: Uncertain significance for Charcot-Marie-Tooth disease axonal type 2V; Mucopolysaccharidosis, MPS-III-B. Last evaluated: 2024-10-15. Review status: criteria provided, single submitter. Criteria: Invitae Variant Classification Sherloc (09022015). Collection method: clinical testing. Allele origin: germline.
Comment: This sequence change replaces methionine, which is neutral and non-polar, with isoleucine, which is neutral and non-polar, at codon 204 of the NAGLU protein (p.Met204Ile). This variant is present in population databases (rs374904049, gnomAD 0.02%). This variant has not been reported in the literature in individuals affected with NAGLU-related conditions. ClinVar contains an entry for this variant (Variation ID: 2196794). Invitae Evidence Modeling of protein sequence and biophysical properties (such as structural, functional, and spatial information, amino acid conservation, physicochemical variation, residue mobility, and thermodynamic stability) indicates that this missense variant is expected to disrupt NAGLU protein function with a positive predictive value of 95%. In summary, the available evidence is currently insufficient to determine the role of this variant in disease. Therefore, it has been classified as a Variant of Uncertain Significance.

GeneDx
Classification: Uncertain significance. Last evaluated: 2024-08-01. Review status: criteria provided, single submitter. Criteria: GeneDx Variant Classification Process June 2021. Collection method: clinical testing. Allele origin: germline. Affected: yes.
Comment: In silico analysis supports that this missense variant has a deleterious effect on protein structure/function; Has not been previously published as pathogenic or benign to our knowledge

NM_000263.4(NAGLU):c.612G>T (p.Met204Ile)

Gene: NAGLU (N-acetyl-alpha-glucosaminidase; plus strand). Cytogenetic location: 17q21.2.
Variant type: single nucleotide variant.
Coding change: c.612G>T on transcript NM_000263.4 (MANE Select); coding-DNA position 612, G replaced by T.
Protein change: p.Met204Ile; replaces methionine 204 with isoleucine.
Molecular consequence: missense variant.
Genome position (GRCh38, 1-based): chr17:42,538,419, G>T. VCF-style: chr17-42538419-G-T. GRCh37 (hg19) VCF-style: chr17-40690437-G-T.
Other names: c.612G>T (NM_000263.3); short protein forms M204I.
Identifiers: ClinVar variation 2196794 (VCV002196794.4), dbSNP rs374904049, ClinGen allele CA8576801.